The following is an entry in ClinVar:

ClinVar aggregate classification (germline): Uncertain significance. Review status: criteria provided, multiple submitters, no conflicts (2 of 4 stars). 2 submissions from 2 submitters: Uncertain significance (2). Last evaluated 2025-03-24.

gnomAD v4.1: 5 of 1,614,090 alleles (0.00031%); highest among the groups gnomAD compares: Admixed American, 0.0017%; no homozygotes.

Submissions (2):

Ambry Genetics
Classification: Uncertain significance. Last evaluated: 2025-03-24. Review status: criteria provided, single submitter. Criteria: Ambry Variant Classification Scheme 2023. Collection method: clinical testing. Allele origin: germline.

Labcorp Genetics (formerly Invitae), Labcorp
Classification: Uncertain significance. Last evaluated: 2024-09-27. Review status: criteria provided, single submitter. Criteria: Invitae Variant Classification Sherloc (09022015). Collection method: clinical testing. Allele origin: germline.
Comment: This sequence change replaces valine, which is neutral and non-polar, with isoleucine, which is neutral and non-polar, at codon 323 of the GPR45 protein (p.Val323Ile). This variant is present in population databases (no rsID available, gnomAD 0.0009%). This variant has not been reported in the literature in individuals affected with GPR45-related conditions. An algorithm developed to predict the effect of missense changes on protein structure and function outputs the following: PolyPhen-2: "Benign". The isoleucine amino acid residue is found in multiple mammalian species, which suggests that this missense change does not adversely affect protein function. In summary, the available evidence is currently insufficient to determine the role of this variant in disease. Therefore, it has been classified as a Variant of Uncertain Significance.

NM_007227.3(GPR45):c.967G>A (p.Val323Ile)

Gene: GPR45 (G protein-coupled receptor 45; plus strand). Cytogenetic location: 2q12.1.
Variant type: single nucleotide variant.
Coding change: c.967G>A on transcript NM_007227.3 (MANE Select); coding-DNA position 967, G replaced by A.
Protein change: p.Val323Ile; replaces valine 323 with isoleucine.
Molecular consequence: missense variant.
Genome position (GRCh38, 1-based): chr2:105,242,825, G>A. VCF-style: chr2-105242825-G-A. GRCh37 (hg19) VCF-style: chr2-105859282-G-A.
Other names: short protein forms V323I.
Identifiers: ClinVar variation 3617827 (VCV003617827.3).
Genomic context (GRCh38, chr2:105,242,825, plus strand): 5'-TACGCCACCAGCACCTGCGTCCTGTGGCTCAGTTACCTCAAGTCCGTCTTCAACCCCATC[G>A]TCTACTGCTGGAGAATCAAAAAATTCCGCGAGGCCTGCATAGAGTTGCTGCCCCAGACCT-3'
Protein context (NP_009158.3, residues 313-333): SYLKSVFNPI[Val323Ile]YCWRIKKFRE